The following is an entry in ClinVar:

NM_025137.4(SPG11):c.2630C>T (p.Ser877Leu)

Gene: SPG11 (SPG11 vesicle trafficking associated, spatacsin; minus strand). Cytogenetic location: 15q21.1.
Variant type: single nucleotide variant.
Coding change: c.2630C>T on transcript NM_025137.4 (MANE Select); coding-DNA position 2630, C replaced by T.
Protein change: p.Ser877Leu; replaces serine 877 with leucine.
Molecular consequence: missense variant.
Genome position (GRCh38, 1-based): chr15:44,620,394, G>A on the plus strand (C>T on the coding strand, the complement: SPG11 is on the minus strand). VCF-style: chr15-44620394-G-A. GRCh37 (hg19) VCF-style: chr15-44912592-G-A.
Other names: c.2630C>T, p.Ser877Leu (NM_001160227.2, NM_001411132.1); short protein forms S877L.
Identifiers: ClinVar variation 2161473 (VCV002161473.1), dbSNP rs2083709294, ClinGen allele CA392230974.

ClinVar aggregate classification (germline): Uncertain significance (1 of 4 stars; one submission).

Conditions:
Hereditary spastic paraplegia 11. Also called: Nakamura Osame syndrome; Autosomal recessive hereditary spastic paraplegia, mental impairment, and thin corpus callosum; SPASTIC PARAPLEGIA, AUTOSOMAL RECESSIVE, COMPLICATED, WITH THIN CORPUS CALLOSUM; SPASTIC PARAPLEGIA, AUTOSOMAL RECESSIVE, WITH MENTAL IMPAIRMENT AND THIN CORPUS CALLOSUM; Spastic Paraplegia 11; Spastic paraplegia, mental retardation and thin corpus callosum. Identifiers: Orphanet 2822, MedGen C1858479, MONDO:0011445, OMIM 604360.

Submission:

Labcorp Genetics (formerly Invitae), Labcorp
Classification: Uncertain significance for Hereditary spastic paraplegia 11. Last evaluated: 2022-06-13. Review status: criteria provided, single submitter. Criteria: Invitae Variant Classification Sherloc (09022015). Collection method: clinical testing. Allele origin: germline.
Comment: This sequence change replaces serine, which is neutral and polar, with leucine, which is neutral and non-polar, at codon 877 of the SPG11 protein (p.Ser877Leu). This variant is not present in population databases (gnomAD no frequency). This variant has not been reported in the literature in individuals affected with SPG11-related conditions. Algorithms developed to predict the effect of missense changes on protein structure and function output the following: SIFT: "Deleterious"; PolyPhen-2: "Benign"; Align-GVGD: "Class C0". The leucine amino acid residue is found in multiple mammalian species, which suggests that this missense change does not adversely affect protein function. In summary, the available evidence is currently insufficient to determine the role of this variant in disease. Therefore, it has been classified as a Variant of Uncertain Significance.